The following is an entry in ClinVar:

NM_000089.4(COL1A2):c.2958del (p.Val987fs)

Gene: COL1A2 (collagen type I alpha 2 chain; plus strand). Cytogenetic location: 7q21.3.
Variant type: Deletion.
Coding change: c.2958del on transcript NM_000089.4 (MANE Select); coding-DNA position 2958, one base deleted (T; older notation c.2958delT).
Protein change: p.Val987fs; shifts the reading frame from valine 987.
Molecular consequence: frameshift variant.
Genome position (GRCh38, 1-based): chr7:94,426,012, T deleted. VCF-style (leftmost placement, unchanged base first): chr7-94426011-CT-C. GRCh37 (hg19) VCF-style: chr7-94055323-CT-C.
Other names: c.2958delT (NM_000089.3); short protein forms V987fs.
Identifiers: ClinVar variation 418923 (VCV000418923.13), dbSNP rs1064793527, ClinGen allele CA16618577.

ClinVar aggregate classification (germline): Conflicting classifications of pathogenicity. Review status: criteria provided, conflicting classifications (1 of 4 stars). 3 submissions from 3 submitters: Pathogenic (2); Uncertain significance (1). Last evaluated 2025-06-05.

Conditions:
Osteogenesis imperfecta type I (OI1). Also called: Lobstein disease; OI, TYPE I; OSTEOGENESIS IMPERFECTA TARDA; OSTEOGENESIS IMPERFECTA WITH BLUE SCLERAE; Classic Non-deforming Osteogenesis Imperfecta with Blue Sclerae; Osteogenesis imperfecta type 1. Identifiers: Orphanet 216796, Orphanet 666, MedGen C0023931, MONDO:0008146, OMIM 166200. Disease mechanism: loss of function.
Ehlers-Danlos syndrome, classic type, 1 (EDSCL1). Also called: EHLERS-DANLOS SYNDROME, GRAVIS TYPE; EHLERS-DANLOS SYNDROME, SEVERE CLASSIC TYPE; Ehlers-Danlos Syndrome, Classic Type, COL5A1-Related; EDS I; Ehlers-Danlos syndrome, type 1. Identifiers: MedGen C0268335, MONDO:0019567, OMIM 130000.
COL1A2-related disorder. Also called: COL1A2-related condition; COL1A2-Related Disorders.
Cardiovascular phenotype. Identifiers: MedGen CN230736.

Allele frequency attached by ClinVar (database versions not stated): gnomAD exomes below 0.00001; TOPMed below 0.00001; gnomAD 0.00001.

Submissions (3):

Labcorp Genetics (formerly Invitae), Labcorp
Classification: Pathogenic for Osteogenesis imperfecta type I; Ehlers-Danlos syndrome, classic type, 1. Last evaluated: 2025-06-05. Review status: criteria provided, single submitter. Criteria: Invitae Variant Classification Sherloc (09022015). Collection method: clinical testing. Allele origin: germline.
Comment: This sequence change creates a premature translational stop signal (p.Val987Leufs*36) in the COL1A2 gene. It is expected to result in an absent or disrupted protein product. Loss-of-function variants in COL1A2 are known to be pathogenic (PMID: 11288717, 15077201). This variant is present in population databases (no rsID available, gnomAD 0.0009%). This variant has not been reported in the literature in individuals affected with COL1A2-related conditions. ClinVar contains an entry for this variant (Variation ID: 418923). For these reasons, this variant has been classified as Pathogenic.

Ambry Genetics
Classification: Uncertain significance for Cardiovascular phenotype. Last evaluated: 2024-06-24. Review status: criteria provided, single submitter. Criteria: Ambry Variant Classification Scheme 2023. Collection method: clinical testing. Allele origin: germline.
Comment: The c.2958delT variant, located in coding exon 45 of the COL1A2 gene, results from a deletion of one nucleotide at nucleotide position 2958, causing a translational frameshift with a predicted alternate stop codon (p.V987Lfs*36). This alteration is expected to result in loss of function by premature protein truncation or nonsense-mediated mRNA decay. Although biallelic loss of function of COL1A2 has been associated with autosomal recessive COL1A2-related cardiac valvular type Ehlers-Danlos syndrome, haploinsufficiency of COL1A2 has not been established as a mechanism of disease for autosomal dominant COL1A2-related osteogenesis imperfecta/overlap disorder. Based on the supporting evidence, this variant is expected to be causative of autosomal recessive COL1A2-related cardiac valvular type Ehlers-Danlos syndrome when present along with a second pathogenic variant on the other allele; however, its clinical significance for autosomal dominant COL1A2-related osteogenesis imperfecta/overlap disorder is unclear.

GeneDx
Classification: Pathogenic. Last evaluated: 2023-04-11. Review status: criteria provided, single submitter. Criteria: GeneDx Variant Classification Process June 2021. Collection method: clinical testing. Allele origin: germline. Affected: yes.
Comment: Has not been previously published as pathogenic or benign to our knowledge; Not observed at significant frequency in large population cohorts (gnomAD); Frameshift variant predicted to result in protein truncation or nonsense mediated decay in a gene for which loss of function is a known mechanism of disease

Literature cited by the submitters: PubMed 11288717 (cited by Labcorp Genetics (formerly Invitae), Labcorp); PubMed 15077201 (cited by Labcorp Genetics (formerly Invitae), Labcorp).